The following is an entry in ClinVar:

NM_000051.4(ATM):c.1787C>T (p.Pro596Leu)

Gene: ATM (ATM serine/threonine kinase; plus strand). Cytogenetic location: 11q22.3.
Variant type: single nucleotide variant.
Coding change: c.1787C>T on transcript NM_000051.4 (MANE Select); coding-DNA position 1787, C replaced by T.
Protein change: p.Pro596Leu; replaces proline 596 with leucine.
Molecular consequence: missense variant.
Genome position (GRCh38, 1-based): chr11:108,252,016, C>T. VCF-style: chr11-108252016-C-T. GRCh37 (hg19) VCF-style: chr11-108122743-C-T.
Other names: c.1787C>T, p.Pro596Leu (NM_001351834.2); short protein forms P596L.
Identifiers: ClinVar variation 2707723 (VCV002707723.4), dbSNP rs2135344221, ClinGen allele CA382535541.
Genomic context (GRCh38, chr11:108,252,016, plus strand): 5'-TAATGAAATGGCTCTTATTCTATCAGTTAGAGGGTGACTTAGAAAATAGCACAGAAGTGC[C>T]TCCAATTCTTCACAGGTAATTTAAGTTCATTAGCATGCTGCTGTTTTTTTTGTTTGTTTT-3'
Protein context (NP_000042.3, residues 586-606): EGDLENSTEV[Pro596Leu]PILHSNFPHL

ClinVar aggregate classification (germline): Uncertain significance. Review status: criteria provided, multiple submitters, no conflicts (2 of 4 stars). 2 submissions from 2 submitters: Uncertain significance (2). Last evaluated 2024-05-29.

Conditions:
Ataxia-telangiectasia syndrome (AT). Also called: ATAXIA-TELANGIECTASIA, COMPLEMENTATION GROUP A; ATAXIA-TELANGIECTASIA, FRESNO VARIANT; Ataxia-telangiectasia, complementation group D; LOUIS-BAR SYNDROME; AT, COMPLEMENTATION GROUP C; Ataxia-telangiectasia. Identifiers: Orphanet 100, MedGen C0004135, MONDO:0008840, OMIM 208900.
Hereditary cancer-predisposing syndrome. Also called: Neoplastic Syndromes, Hereditary; Hereditary neoplastic syndrome; Tumor predisposition; Hereditary Cancer Syndrome. Identifiers: Orphanet 140162, MedGen C0027672, MeSH D009386, MONDO:0015356.

Submissions (2):

Ambry Genetics
Classification: Uncertain significance for Hereditary cancer-predisposing syndrome. Last evaluated: 2024-05-29. Review status: criteria provided, single submitter. Criteria: Ambry Variant Classification Scheme 2023. Collection method: clinical testing. Allele origin: germline.
Comment: The p.P596L variant (also known as c.1787C>T), located in coding exon 10 of the ATM gene, results from a C to T substitution at nucleotide position 1787. The proline at codon 596 is replaced by leucine, an amino acid with similar properties. This amino acid position is conserved. In addition, this alteration is predicted to be tolerated by in silico analysis. Based on the available evidence, the clinical significance of this variant remains unclear.

Labcorp Genetics (formerly Invitae), Labcorp
Classification: Uncertain significance for Ataxia-telangiectasia syndrome. Last evaluated: 2024-01-05. Review status: criteria provided, single submitter. Criteria: Invitae Variant Classification Sherloc (09022015). Collection method: clinical testing. Allele origin: germline.
Comment: This sequence change replaces proline, which is neutral and non-polar, with leucine, which is neutral and non-polar, at codon 596 of the ATM protein (p.Pro596Leu). This variant is not present in population databases (gnomAD no frequency). This variant has not been reported in the literature in individuals affected with ATM-related conditions. An algorithm developed to predict the effect of missense changes on protein structure and function (PolyPhen-2) suggests that this variant is likely to be disruptive. In summary, the available evidence is currently insufficient to determine the role of this variant in disease. Therefore, it has been classified as a Variant of Uncertain Significance.